The following is an entry in ClinVar:

ClinVar aggregate classification (germline): Uncertain significance. Review status: criteria provided, single submitter (1 of 4 stars). 2 submissions from 2 submitters: Uncertain significance (1). 1 of the submissions does not count toward it. Last evaluated 2022-08-16.

Conditions:
Hypervalinemia and hyperleucine-isoleucinemia (HVLI). Also called: Hypervalinemia or hyperleucine-isoleucinemia; BRANCHED-CHAIN AMINOTRANSFERASE DEFICIENCY. Identifiers: MedGen C5394277, MONDO:0100058, OMIM 618850.

Allele frequency attached by ClinVar (database versions not stated): ExAC 0.00002; gnomAD exomes 0.00002; gnomAD 0.00003; TOPMed 0.00003.
gnomAD v4.1: 29 of 1,613,516 alleles (0.0018%); highest among the groups gnomAD compares: Admixed American, 0.0033%; no homozygotes.

Submissions (2):

Labcorp Genetics (formerly Invitae), Labcorp
Classification: Uncertain significance. Last evaluated: 2022-08-16. Review status: criteria provided, single submitter. Criteria: Invitae Variant Classification Sherloc (09022015). Collection method: clinical testing. Allele origin: germline.
Comment: In summary, the available evidence is currently insufficient to determine the role of this variant in disease. Therefore, it has been classified as a Variant of Uncertain Significance. Algorithms developed to predict the effect of missense changes on protein structure and function are either unavailable or do not agree on the potential impact of this missense change (SIFT: "Deleterious"; PolyPhen-2: "Probably Damaging"; Align-GVGD: "Class C0"). This missense change has been observed in individual(s) with branched-chain amino acid transferase 2 deficiency (PMID: 31177572). This variant is present in population databases (rs779570956, gnomAD 0.006%). This sequence change replaces alanine, which is neutral and non-polar, with threonine, which is neutral and polar, at codon 341 of the BCAT2 protein (p.Ala341Thr).

OMIM
Classification: Pathogenic for HYPERVALINEMIA AND HYPERLEUCINE-ISOLEUCINEMIA. Last evaluated: 2024-08-26. Review status: no assertion criteria provided. Collection method: literature only. Allele origin: germline. Not counted in ClinVar's aggregate classification.

Literature cited by the submitters: PubMed 31177572 (cited by Labcorp Genetics (formerly Invitae), Labcorp and OMIM).

NM_001190.4(BCAT2):c.1021G>A (p.Ala341Thr)

Gene: BCAT2 (branched chain amino acid transaminase 2; minus strand). Cytogenetic location: 19q13.33.
Variant type: single nucleotide variant.
Coding change: c.1021G>A on transcript NM_001190.4 (MANE Select); coding-DNA position 1021, G replaced by A.
Protein change: p.Ala341Thr; replaces alanine 341 with threonine.
Molecular consequence: missense variant.
Genome position (GRCh38, 1-based): chr19:48,796,622, C>T on the plus strand (G>A on the coding strand, the complement: BCAT2 is on the minus strand). VCF-style: chr19-48796622-C-T. GRCh37 (hg19) VCF-style: chr19-49299879-C-T.
Other names: c.745G>A, p.Ala249Thr (NM_001164773.2); c.901G>A, p.Ala301Thr (NM_001284325.2); short protein forms A249T, A341T, A301T.
Identifiers: ClinVar variation 1918210 (VCV001918210.5), dbSNP rs779570956, ClinGen allele CA9558218.